The following is an entry in ClinVar:

ClinVar aggregate classification (germline): Uncertain significance (1 of 4 stars; one submission).

Conditions:
Inborn genetic diseases. Identifiers: MedGen C0950123, MeSH D030342.

Allele frequency attached by ClinVar (database versions not stated): gnomAD exomes below 0.00001; ExAC 0.00001; gnomAD 0.00001; TOPMed 0.00001.
gnomAD v4.1: 4 of 1,613,770 alleles (0.00025%); highest among the groups gnomAD compares: East Asian, 0.0045%; no homozygotes.

Submission:

Ambry Genetics
Classification: Uncertain significance for Inborn genetic diseases. Last evaluated: 2021-03-02. Review status: criteria provided, single submitter. Criteria: Ambry Variant Classification Scheme 2023. Collection method: clinical testing. Allele origin: germline.
Comment: The c.1586T>C (p.V529A) alteration is located in exon 8 (coding exon 8) of the TENM3 gene. This alteration results from a T to C substitution at nucleotide position 1586, causing the valine (V) at amino acid position 529 to be replaced by an alanine (A). The p.V529A alteration is predicted to be tolerated by in silico analysis. Based on insufficient or conflicting evidence, the clinical significance of this alteration remains unclear.

NM_001080477.4(TENM3):c.1586T>C (p.Val529Ala)

Gene: TENM3 (teneurin transmembrane protein 3; plus strand). Cytogenetic location: 4q35.1.
Variant type: single nucleotide variant.
Coding change: c.1586T>C on transcript NM_001080477.4 (MANE Select); coding-DNA position 1586, T replaced by C.
Protein change: p.Val529Ala; replaces valine 529 with alanine.
Molecular consequence: missense variant.
Genome position (GRCh38, 1-based): chr4:182,680,296, T>C. VCF-style: chr4-182680296-T-C. GRCh37 (hg19) VCF-style: chr4-183601449-T-C.
Other names: c.770T>C, p.Val257Ala (NM_001415960.1, NM_001415961.1, NM_001415962.1 and 2 more transcripts); c.1307T>C, p.Val436Ala (NM_001415966.1, NM_001415967.1, NM_001415976.1 and 1 more transcripts); c.1586T>C, p.Val529Ala (NM_001415968.1, NM_001415969.1, NM_001415970.1 and 4 more transcripts); short protein forms V436A, V529A, V257A.
Identifiers: ClinVar variation 2229230 (VCV002229230.2), dbSNP rs770786890, ClinGen allele CA3147734.